The following is an entry in ClinVar:

NM_001814.6(CTSC):c.1299G>A (p.Trp433Ter)

Gene: CTSC (cathepsin C; minus strand). Cytogenetic location: 11q14.2.
Variant type: single nucleotide variant.
Coding change: c.1299G>A on transcript NM_001814.6 (MANE Select); coding-DNA position 1299, G replaced by A.
Protein change: p.Trp433Ter; replaces tryptophan 433 with a stop codon.
Molecular consequence: nonsense.
Genome position (GRCh38, 1-based): chr11:88,294,099, C>T on the plus strand (G>A on the coding strand, the complement: CTSC is on the minus strand). VCF-style: chr11-88294099-C-T. GRCh37 (hg19) VCF-style: chr11-88027267-C-T.
Other names: short protein forms W433*.
Identifiers: ClinVar variation 4787999 (VCV004787999.1).

ClinVar aggregate classification (germline): Uncertain significance (1 of 4 stars; one submission).

Conditions:
Periodontitis, aggressive. Identifiers: MedGen C0031106, MONDO:0980757.
Haim-Munk syndrome (HMS). Also called: COCHIN JEWISH DISORDER; KERATOSIS PALMOPLANTARIS WITH PERIODONTOPATHIA AND ONYCHOGRYPOSIS. Identifiers: Orphanet 2342, MedGen C1855627, MONDO:0009491, OMIM 245010.
Papillon-Lefèvre syndrome (PALS). Also called: Papillon-Lefevre Disease; KERATOSIS PALMOPLANTARIS WITH PERIODONTOPATHIA. Identifiers: Orphanet 678, MedGen C0030360, MONDO:0009490, OMIM 245000.

Submission:

Labcorp Genetics (formerly Invitae), Labcorp
Classification: Uncertain significance for Haim-Munk syndrome; Periodontitis, aggressive; Papillon-Lefèvre syndrome. Last evaluated: 2025-07-14. Review status: criteria provided, single submitter. Criteria: Invitae Variant Classification Sherloc (09022015). Collection method: clinical testing. Allele origin: germline.
Comment: This sequence change creates a premature translational stop signal (p.Trp433*) in the CTSC gene. While this is not anticipated to result in nonsense mediated decay, it is expected to disrupt the last 31 amino acid(s) of the CTSC protein. This variant is not present in population databases (gnomAD no frequency). This variant has not been reported in the literature in individuals affected with CTSC-related conditions. Experimental studies and prediction algorithms are not available or were not evaluated, and the functional significance of this variant is currently unknown. Algorithms developed to predict the effect of sequence changes on RNA splicing suggest that this variant may create or strengthen a splice site. This variant disrupts a region of the CTSC protein in which other variant(s) (p.Asp446Ala) have been observed in individuals with CTSC-related conditions (PMID: 31846207). This suggests that this is a clinically significant region of the protein, and that variants that disrupt it are likely to be disease-causing. In summary, the available evidence is currently insufficient to determine the role of this variant in disease. Therefore, it has been classified as a Variant of Uncertain Significance.

Literature cited by the submitters: PubMed 31846207.